The following is an entry in ClinVar:

ClinVar aggregate classification (germline): Uncertain significance (1 of 4 stars; one submission).

Submission:

GeneDx
Classification: Uncertain significance. Last evaluated: 2026-03-26. Review status: criteria provided, single submitter. Criteria: GeneDx Variant Classification Process June 2021. Collection method: clinical testing. Allele origin: germline.
Comment: Not observed at significant frequency in large population cohorts (gnomAD); Nonsense variant predicted to result in protein truncation or nonsense mediated decay in a gene or region of a gene for which loss of function is not a well-established mechanism of disease; Has not been previously published as pathogenic or benign to our knowledge

NM_001371727.1(GABRB2):c.337_342delinsTGATA (p.Asp113_Gln114delinsTer)

Gene: GABRB2 (gamma-aminobutyric acid type A receptor subunit beta2; minus strand). Cytogenetic location: 5q34.
Variant type: Indel.
Coding change: c.337_342delinsTGATA on transcript NM_001371727.1 (MANE Select); coding-DNA positions 337 to 342, GACCAG replaced by TGATA.
Protein change: p.Asp113_Gln114delinsTer.
Molecular consequence: nonsense.
Genome position (GRCh38, 1-based): chr5:161,459,740-161,459,745, CTGGTC replaced by TATCA on the plus strand (GACCAG replaced by TGATA on the coding strand, the reverse complement: GABRB2 is on the minus strand). VCF-style: chr5-161459740-CTGGTC-TATCA. GRCh37 (hg19) VCF-style: chr5-160886746-CTGGTC-TATCA.
Other names: c.337_342delinsTGATA, p.Asp113_Gln114delinsTer (NM_000813.3, NM_021911.3).
Identifiers: ClinVar variation 5017586 (VCV005017586.1).